The following is an entry in ClinVar:

NM_004239.4(TRIP11):c.5298G>T (p.Lys1766Asn)

Gene: TRIP11 (thyroid hormone receptor interactor 11; minus strand). Cytogenetic location: 14q32.12.
Variant type: single nucleotide variant.
Coding change: c.5298G>T on transcript NM_004239.4 (MANE Select); coding-DNA position 5298, G replaced by T.
Protein change: p.Lys1766Asn; replaces lysine 1766 with asparagine.
Molecular consequence: missense variant.
Genome position (GRCh38, 1-based): chr14:91,976,152, C>A on the plus strand (G>T on the coding strand, the complement: TRIP11 is on the minus strand). VCF-style: chr14-91976152-C-A. GRCh37 (hg19) VCF-style: chr14-92442496-C-A.
Other names: p.Lys1766Asn; c.5295G>T, p.Lys1765Asn (NM_001321851.1); short protein forms K1766N, K1765N.
Identifiers: ClinVar variation 194742 (VCV000194742.32), dbSNP rs145868557, ClinGen allele CA201336.

ClinVar aggregate classification (germline): Conflicting classifications of pathogenicity. Review status: criteria provided, conflicting classifications (1 of 4 stars). 8 submissions from 8 submitters: Uncertain significance (1); Benign (1); Likely benign (5). 1 of the submissions does not count toward it. Last evaluated 2026-01-06.

Conditions:
Achondrogenesis, type IA (ACG1A). Identifiers: Orphanet 932, Orphanet 93299, MedGen C0265273, MONDO:0008701, OMIM 200600.
TRIP11-related disorder. Also called: TRIP11-related condition; TRIP11-Related Disorders.

Allele frequency attached by ClinVar (database versions not stated): 1000 Genomes Project 30x 0.00078; 1000 Genomes Project 0.00080; TOPMed 0.00090; ESP Exome Variant Server 0.00092; ExAC 0.00098; gnomAD exomes 0.00107 and 0.00164; gnomAD 0.00144 and 0.00148.
gnomAD v4.1: 2,585 of 1,612,484 alleles (0.16%); highest among the groups gnomAD compares: Non-Finnish European, 0.17%; 4 homozygotes.

Submissions (8):

Labcorp Genetics (formerly Invitae), Labcorp
Classification: Benign for Achondrogenesis, type IA. Last evaluated: 2026-01-06. Review status: criteria provided, single submitter. Criteria: Invitae Variant Classification Sherloc (09022015). Collection method: clinical testing. Allele origin: germline.

ARUP Laboratories, Molecular Genetics and Genomics, ARUP Laboratories
Classification: Likely benign. Last evaluated: 2025-05-20. Review status: criteria provided, single submitter. Criteria: ARUP Molecular Germline Variant Investigation Process 2024. Collection method: clinical testing. Allele origin: germline.

Mayo Clinic Laboratories, Mayo Clinic
Classification: Likely benign. Last evaluated: 2024-12-12. Review status: criteria provided, single submitter. Criteria: ACMG Guidelines, 2015. Collection method: clinical testing. Allele origin: germline. Observed: 1 variant allele.
Comment: BS1, BP4

Blueprint Genetics
Classification: Likely benign. Last evaluated: 2024-10-29. Review status: criteria provided, single submitter. Criteria: ACMG Guidelines, 2015. Collection method: clinical testing. Allele origin: germline.

GeneDx
Classification: Likely benign. Last evaluated: 2020-05-21. Review status: criteria provided, single submitter. Criteria: GeneDx Variant Classification Process June 2021. Collection method: clinical testing. Allele origin: germline. Affected: yes.

Illumina Laboratory Services, Illumina
Classification: Uncertain significance for Achondrogenesis, type IA. Last evaluated: 2018-01-12. Review status: criteria provided, single submitter. Criteria: ICSL Variant Classification Criteria 13 December 2019. Collection method: clinical testing. Allele origin: germline.

Eurofins Ntd Llc (ga)
Classification: Likely benign. Last evaluated: 2015-06-05. Review status: criteria provided, single submitter. Criteria: EGL Classification Definitions 2015. Collection method: clinical testing. Allele origin: germline. Observed: 1 variant allele, 1 heterozygote.

PreventionGenetics, part of Exact Sciences
Classification: Likely benign for TRIP11-related condition. Last evaluated: 2020-09-02. Review status: no assertion criteria provided. Collection method: clinical testing. Allele origin: germline. Not counted in ClinVar's aggregate classification.
Comment: This variant is classified as likely benign based on ACMG/AMP sequence variant interpretation guidelines (Richards et al. 2015 PMID: 25741868, with internal and published modifications).